The following is an entry in ClinVar:

ClinVar aggregate classification (germline): Uncertain significance (1 of 4 stars; one submission).

Conditions:
Early Myoclonic Encephalopathy. Identifiers: MedGen C0270855.

Allele frequency attached by ClinVar (database versions not stated): TOPMed below 0.00001; ExAC 0.00001; gnomAD exomes below 0.00001.
gnomAD v4.1: 3 of 1,614,084 alleles (0.00019%); highest among the groups gnomAD compares: Non-Finnish European, 0.00025%; no homozygotes.

Submission:

Labcorp Genetics (formerly Invitae), Labcorp
Classification: Uncertain significance for Early Myoclonic Encephalopathy. Last evaluated: 2022-07-25. Review status: criteria provided, single submitter. Criteria: Invitae Variant Classification Sherloc (09022015). Collection method: clinical testing. Allele origin: germline.
Comment: Algorithms developed to predict the effect of missense changes on protein structure and function are either unavailable or do not agree on the potential impact of this missense change (SIFT: "Deleterious"; PolyPhen-2: "Possibly Damaging"; Align-GVGD: "Class C0"). In summary, the available evidence is currently insufficient to determine the role of this variant in disease. Therefore, it has been classified as a Variant of Uncertain Significance. ClinVar contains an entry for this variant (Variation ID: 965064). This variant has not been reported in the literature in individuals affected with JMJD1C-related conditions. This variant is present in population databases (rs760803766, gnomAD 0.0009%). This sequence change replaces glutamine, which is neutral and polar, with histidine, which is basic and polar, at codon 1261 of the JMJD1C protein (p.Gln1261His).

NM_032776.3(JMJD1C):c.3783G>C (p.Gln1261His)

Gene: JMJD1C (jumonji domain containing 1C; minus strand). Cytogenetic location: 10q21.3.
Variant type: single nucleotide variant.
Coding change: c.3783G>C on transcript NM_032776.3 (MANE Select); coding-DNA position 3783, G replaced by C.
Protein change: p.Gln1261His; replaces glutamine 1261 with histidine.
Molecular consequence: missense variant. On other transcripts: non-coding transcript variant (1).
Genome position (GRCh38, 1-based): chr10:63,207,886, C>G on the plus strand (G>C on the coding strand, the complement: JMJD1C is on the minus strand). VCF-style: chr10-63207886-C-G. GRCh37 (hg19) VCF-style: chr10-64967646-C-G.
Other names: c.3237G>C, p.Gln1079His (NM_001282948.2, NM_001318154.2); c.2919G>C, p.Gln973His (NM_001318153.2); c.3669G>C, p.Gln1223His (NM_001322252.2); c.3126G>C, p.Gln1042His (NM_001322254.2, NM_001322258.2); short protein forms Q1042H, Q1079H, Q1261H, Q1223H, Q973H.
Identifiers: ClinVar variation 965064 (VCV000965064.7), dbSNP rs760803766, ClinGen allele CA5518380.
Genomic context (GRCh38, chr10:63,207,886, plus strand): 5'-GTTATTATTAGGTCTCCACATCTCCGTCAAACTCTGTTCTGAAGAACTCTTAAAATTTGC[C>G]TGGGAGTCTTTTGGTTCGGGTATTAGAGTTGGAGGCTTCTGTGATTCTTGAACTTTACCA-3'
Protein context (NP_116165.1, residues 1251-1271): PTLIPEPKDS[Gln1261His]ANFKSSSEQS